The following is an entry in ClinVar:

NM_001356.5(DDX3X):c.80dup (p.Ser28fs)

Gene: DDX3X (DEAD-box helicase 3 X-linked; plus strand). Cytogenetic location: Xp11.4.
Variant type: Duplication.
Coding change: c.80dup on transcript NM_001356.5 (MANE Select); coding-DNA position 80, one base duplicated (A; older notation c.80dupA).
Protein change: p.Ser28fs; shifts the reading frame from serine 28.
Molecular consequence: frameshift variant. On other transcripts: 5 prime UTR variant (1), non-coding transcript variant (2).
Genome position (GRCh38, 1-based): chrX:41,337,442, A duplicated. VCF-style (leftmost placement, unchanged base first): chrX-41337441-C-CA. GRCh37 (hg19) VCF-style: chrX-41196694-C-CA.
Other names: c.80dup, p.Ser28fs (NM_001193416.3, NM_001193417.3); c.-1824dup (NM_001363819.1); short protein forms S28fs.
Identifiers: ClinVar variation 280593 (VCV000280593.2), dbSNP rs886041769, ClinGen allele CA10603726.
Genomic context (GRCh38, chrX:41,337,441, plus strand): 5'-GGTGCTAACCATCTCACTCTCTTCTAGTTTGCTGGCCTAGACCTGAACTCTTCAGATAAT[C>CA]AGAGTGGAGGAAGTACAGCCAGCAGTAAGTACAACATCTTGTGGGTTTATTGAATATTAG-3'

ClinVar aggregate classification (germline): Pathogenic (1 of 4 stars; one submission).

Submission:

GeneDx
Classification: Pathogenic. Last evaluated: 2016-05-10. Review status: criteria provided, single submitter. Criteria: GeneDx Variant Classification (06012015). Collection method: clinical testing. Allele origin: germline. Affected: yes.
Comment: The c.80dupA variant in the DDX3X gene has not been reported previously as a pathogenic variant nor as a benign variant, to our knowledge. The c.80dupA variant causes a frameshift starting with codon Serine 28, changes this amino acid to a Glutamic Acid residue, and creates a premature Stop codon at position 23 of the new reading frame, denoted p.Ser28GlufsX23. This variant is predicted to cause loss of normal protein function either through protein truncation or nonsense-mediated mRNA decay. The c.80dupA variant was not observed in approximately 6000 individuals of European and African American ancestry in the NHLBI Exome Sequencing Project, indicating it is not a common benign variant in these populations. We interpret c.80dupA as a pathogenic variant.